The following is an entry in ClinVar:

ClinVar aggregate classification (germline): Pathogenic (1 of 4 stars; one submission).

Conditions:
Joubert syndrome. Also called: CEREBELLOPARENCHYMAL DISORDER IV; JOUBERT-BOLTSHAUSER SYNDROME; Familial aplasia of the vermis. Identifiers: Orphanet 475, MedGen C5979921, MONDO:0018772.

Submission:

Labcorp Genetics (formerly Invitae), Labcorp
Classification: Pathogenic for Joubert syndrome. Last evaluated: 2024-03-01. Review status: criteria provided, single submitter. Criteria: Invitae Variant Classification Sherloc (09022015). Collection method: clinical testing. Allele origin: germline.
Comment: This sequence change creates a premature translational stop signal (p.Gly46Valfs*11) in the TMEM216 gene. It is expected to result in an absent or disrupted protein product. Loss-of-function variants in TMEM216 are known to be pathogenic (PMID: 20512146). This variant is not present in population databases (gnomAD no frequency). This variant has not been reported in the literature in individuals affected with TMEM216-related conditions. For these reasons, this variant has been classified as Pathogenic.

Literature cited by the submitters: PubMed 20512146.

NM_001173990.3(TMEM216):c.135del (p.Gly46fs)

Gene: TMEM216 (transmembrane protein 216; plus strand). Cytogenetic location: 11q12.2.
Variant type: Deletion.
Coding change: c.135del on transcript NM_001173990.3 (MANE Select); coding-DNA position 135, one base deleted (A; older notation c.135delA).
Protein change: p.Gly46fs; shifts the reading frame from glycine 46.
Molecular consequence: frameshift variant. On other transcripts: 5 prime UTR variant (2).
Genome position (GRCh38, 1-based): chr11:61,393,331, A deleted; the last of 3 consecutive A bases (chr11:61,393,329-61,393,331); deleting any one gives the same sequence. VCF-style (leftmost placement, unchanged base first): chr11-61393328-TA-T. GRCh37 (hg19) VCF-style: chr11-61160800-TA-T.
Other names: c.135del, p.Gly46fs (NM_001173991.3); c.-49del (NM_001330285.2, NM_016499.6); short protein forms G46fs.
Identifiers: ClinVar variation 3643836 (VCV003643836.2).
Genomic context (GRCh38, chr11:61,393,328, plus strand): 5'-CTTTCTGAACGGGTGGTATAATGCTACCTATTTCCTGCTGGAACTTTTCATATTTCTGTA[TA>T]AAGGTAAGGAAGGCTTGGGGCTTGACGACAGCATCCCTTCCCCACTTCAGCTCAGAGCCA-3'